The following is an entry in ClinVar:

ClinVar aggregate classification (germline): Uncertain significance. Review status: criteria provided, multiple submitters, no conflicts (2 of 4 stars). 2 submissions from 2 submitters: Uncertain significance (2). Last evaluated 2025-04-20.

Conditions:
Hereditary hyperekplexia. Identifiers: Orphanet 3197, MedGen C4084968, MONDO:0021022.
Inborn genetic diseases. Identifiers: MedGen C0950123, MeSH D030342.

Allele frequency attached by ClinVar (database versions not stated): gnomAD exomes below 0.00001; ExAC 0.00002; gnomAD 0.00005; ESP Exome Variant Server 0.00015.

Submissions (2):

Labcorp Genetics (formerly Invitae), Labcorp
Classification: Uncertain significance for Hereditary hyperekplexia. Last evaluated: 2025-04-20. Review status: criteria provided, single submitter. Criteria: Invitae Variant Classification Sherloc (09022015). Collection method: clinical testing. Allele origin: germline.
Comment: This sequence change replaces arginine, which is basic and polar, with tryptophan, which is neutral and slightly polar, at codon 150 of the GLRA1 protein (p.Arg150Trp). This variant is present in population databases (rs374834686, gnomAD 0.007%). This variant has not been reported in the literature in individuals affected with GLRA1-related conditions. ClinVar contains an entry for this variant (Variation ID: 1063809). Invitae Evidence Modeling of protein sequence and biophysical properties (such as structural, functional, and spatial information, amino acid conservation, physicochemical variation, residue mobility, and thermodynamic stability) indicates that this missense variant is not expected to disrupt GLRA1 protein function with a negative predictive value of 80%. In summary, the available evidence is currently insufficient to determine the role of this variant in disease. Therefore, it has been classified as a Variant of Uncertain Significance.

Ambry Genetics
Classification: Uncertain significance for Inborn genetic diseases. Last evaluated: 2021-10-21. Review status: criteria provided, single submitter. Criteria: Ambry Variant Classification Scheme 2023. Collection method: clinical testing. Allele origin: germline.

NM_000171.4(GLRA1):c.448C>T (p.Arg150Trp)

Gene: GLRA1 (glycine receptor alpha 1; minus strand). Cytogenetic location: 5q33.1.
Variant type: single nucleotide variant.
Coding change: c.448C>T on transcript NM_000171.4 (MANE Select); coding-DNA position 448, C replaced by T.
Protein change: p.Arg150Trp; replaces arginine 150 with tryptophan.
Molecular consequence: missense variant.
Genome position (GRCh38, 1-based): chr5:151,859,813, G>A on the plus strand (C>T on the coding strand, the complement: GLRA1 is on the minus strand). VCF-style: chr5-151859813-G-A. GRCh37 (hg19) VCF-style: chr5-151239374-G-A.
Other names: c.448C>T (NM_000171.3); c.448C>T, p.Arg150Trp (NM_001146040.2); c.199C>T, p.Arg67Trp (NM_001292000.2); short protein forms R150W, R67W.
Identifiers: ClinVar variation 1063809 (VCV001063809.12), dbSNP rs374834686, ClinGen allele CA3523703.